The following is an entry in ClinVar:

ClinVar aggregate classification (germline): Uncertain significance. Review status: criteria provided, multiple submitters, no conflicts (2 of 4 stars). 2 submissions from 2 submitters: Uncertain significance (2). Last evaluated 2025-02-24.

Conditions:
Inborn genetic diseases. Identifiers: MedGen C0950123, MeSH D030342.
Singleton-Merten syndrome 1 (SGMRT1). Also called: Widened medullary cavities of bone, aortic calcification, abnormal dentition, and muscular weakness; Syndrome of widened medullary cavities of the metacarpals and phalanges, aortic calcification and abnormal dentition. Identifiers: Orphanet 85191, MedGen C4225427, MONDO:0024535, OMIM 182250.
Aicardi-Goutieres syndrome 7 (AGS7). Identifiers: Orphanet 51, MedGen C3888244, MONDO:0014367, OMIM 615846.

Allele frequency attached by ClinVar (database versions not stated): ExAC 0.00001; gnomAD 0.00001.
gnomAD v4.1: 1 of 1,608,806 alleles (0.000062%); highest among the groups gnomAD compares: Middle Eastern, 0.017%; no homozygotes.

Submissions (2):

Labcorp Genetics (formerly Invitae), Labcorp
Classification: Uncertain significance for Aicardi-Goutieres syndrome 7; Singleton-Merten syndrome 1. Last evaluated: 2025-02-24. Review status: criteria provided, single submitter. Criteria: Invitae Variant Classification Sherloc (09022015). Collection method: clinical testing. Allele origin: germline.
Comment: This sequence change replaces isoleucine, which is neutral and non-polar, with threonine, which is neutral and polar, at codon 441 of the IFIH1 protein (p.Ile441Thr). This variant is present in population databases (rs764907514, gnomAD no frequency). This variant has not been reported in the literature in individuals affected with IFIH1-related conditions. This missense change has been observed in at least one individual who was not affected with IFIH1-related conditions (internal data). ClinVar contains an entry for this variant (Variation ID: 2051493). Invitae Evidence Modeling of protein sequence and biophysical properties (such as structural, functional, and spatial information, amino acid conservation, physicochemical variation, residue mobility, and thermodynamic stability) has been performed for this missense variant. However, the output from this modeling did not meet the statistical confidence thresholds required to predict the impact of this variant on IFIH1 protein function. In summary, the available evidence is currently insufficient to determine the role of this variant in disease. Therefore, it has been classified as a Variant of Uncertain Significance.

Ambry Genetics
Classification: Uncertain significance for Inborn genetic diseases. Last evaluated: 2022-12-21. Review status: criteria provided, single submitter. Criteria: Ambry Variant Classification Scheme 2023. Collection method: clinical testing. Allele origin: germline.

NM_022168.4(IFIH1):c.1322T>C (p.Ile441Thr)

Gene: IFIH1 (interferon induced with helicase C domain 1; minus strand). Cytogenetic location: 2q24.2.
Variant type: single nucleotide variant.
Coding change: c.1322T>C on transcript NM_022168.4 (MANE Select); coding-DNA position 1322, T replaced by C.
Protein change: p.Ile441Thr; replaces isoleucine 441 with threonine.
Molecular consequence: missense variant.
Genome position (GRCh38, 1-based): chr2:162,281,530, A>G on the plus strand (T>C on the coding strand, the complement: IFIH1 is on the minus strand). VCF-style: chr2-162281530-A-G. GRCh37 (hg19) VCF-style: chr2-163138040-A-G.
Other names: short protein forms I441T.
Identifiers: ClinVar variation 2051493 (VCV002051493.5), dbSNP rs764907514, ClinGen allele CA1934550.